The following is an entry in ClinVar:

NM_014946.4(SPAST):c.1054C>T (p.Gln352Ter)

Gene: SPAST (spastin; plus strand). Cytogenetic location: 2p22.3.
Variant type: single nucleotide variant.
Coding change: c.1054C>T on transcript NM_014946.4 (MANE Select); coding-DNA position 1054, C replaced by T.
Protein change: p.Gln352Ter; replaces glutamine 352 with a stop codon.
Molecular consequence: nonsense.
Genome position (GRCh38, 1-based): chr2:32,116,168, C>T. VCF-style: chr2-32116168-C-T. GRCh37 (hg19) VCF-style: chr2-32341237-C-T.
Other names: c.1051C>T, p.Gln351Ter (NM_001363823.2); c.955C>T, p.Gln319Ter (NM_001363875.2); c.958C>T, p.Gln320Ter (NM_001377959.1, NM_199436.2); short protein forms Q319*, Q320*, Q351*, Q352*.
Identifiers: ClinVar variation 1256240 (VCV001256240.1), dbSNP rs1678826101, ClinGen allele CA346499729.

ClinVar aggregate classification (germline): Pathogenic (1 of 4 stars; one submission).

Submission:

Athena Diagnostics
Classification: Pathogenic. Last evaluated: 2020-11-19. Review status: criteria provided, single submitter. Criteria: Athena Diagnostics criteria. Collection method: clinical testing. Allele origin: unknown.
Comment: This variant is expected to result in the loss of a functional protein. This variant has not been reported in large, multi-ethnic general populations. This variant has been identified in at least one individual with clinical features associated with this gene.

Literature cited by the submitters: PubMed 20932283; PubMed 25525159.